The following is an entry in ClinVar:

ClinVar aggregate classification (germline): Uncertain significance. Review status: criteria provided, multiple submitters, no conflicts (2 of 4 stars). 2 submissions from 2 submitters: Uncertain significance (2). Last evaluated 2023-08-08.

Conditions:
Bethlem myopathy 1A. Also called: Bethlem myopathy 1; MYOPATHY, BENIGN CONGENITAL, WITH CONTRACTURES; Bethlem Muscular Dystrophy. Identifiers: Orphanet 610, MedGen CN029274, MONDO:0024530, OMIM 158810.
COL6A2-related disorder.

Allele frequency attached by ClinVar (database versions not stated): gnomAD 0.00001; gnomAD exomes 0.00001; TOPMed 0.00002.
gnomAD v4.1: 7 of 1,612,784 alleles (0.00043%); highest among the groups gnomAD compares: African/African-American, 0.0027%; no homozygotes.

Submissions (2):

PreventionGenetics, part of Exact Sciences
Classification: Uncertain significance for COL6A2-related condition. Last evaluated: 2023-08-08. Review status: criteria provided, single submitter. Criteria: ACMG Guidelines, 2015. Collection method: clinical testing. Allele origin: germline.
Comment: The COL6A2 c.340G>A variant is predicted to result in the amino acid substitution p.Asp114Asn. To our knowledge, this variant has not been reported in the literature. This variant is reported in 0.0062% of alleles in individuals of African descent in gnomAD. At this time, the clinical significance of this variant is uncertain due to the absence of conclusive functional and genetic evidence.

Labcorp Genetics (formerly Invitae), Labcorp
Classification: Uncertain significance for Bethlem myopathy 1A. Last evaluated: 2017-01-31. Review status: criteria provided, single submitter. Criteria: Invitae Variant Classification Sherloc (09022015). Collection method: clinical testing. Allele origin: germline.
Comment: In summary, this variant is a novel missense change that is not predicted to affect protein function. There is no indication that it causes disease, but the available evidence is currently insufficient to prove that conclusively. Therefore, it has been classified as a Variant of Uncertain Significance. Algorithms developed to predict the effect of missense changes on protein structure and function (SIFT, PolyPhen-2, Align-GVGD) all suggest that this variant is likely to be tolerated, but these predictions have not been confirmed by published functional studies. This variant is not present in population databases (ExAC no frequency) and has not been reported in the literature in individuals with a COL6A2-related disease. This sequence change replaces aspartic acid with asparagine at codon 114 of the COL6A2 protein (p.Asp114Asn). The aspartic acid residue is weakly conserved and there is a small physicochemical difference between aspartic acid and asparagine.

NM_001849.4(COL6A2):c.340G>A (p.Asp114Asn)

Gene: COL6A2 (collagen type VI alpha 2 chain; plus strand). Cytogenetic location: 21q22.3.
Variant type: single nucleotide variant.
Coding change: c.340G>A on transcript NM_001849.4 (MANE Select); coding-DNA position 340, G replaced by A.
Protein change: p.Asp114Asn; replaces aspartic acid 114 with asparagine.
Molecular consequence: missense variant.
Genome position (GRCh38, 1-based): chr21:46,112,203, G>A. VCF-style: chr21-46112203-G-A. GRCh37 (hg19) VCF-style: chr21-47532117-G-A.
Other names: c.340G>A, p.Asp114Asn (NM_058174.3, NM_058175.3); short protein forms D114N.
Identifiers: ClinVar variation 476486 (VCV000476486.10), dbSNP rs969934621, ClinGen allele CA321957202.